The following is an entry in ClinVar:

NM_001321075.3(DLG4):c.2074_2078delinsT (p.Val692fs)

Gene: DLG4 (discs large MAGUK scaffold protein 4; minus strand). Cytogenetic location: 17p13.1.
Variant type: Indel.
Coding change: c.2074_2078delinsT on transcript NM_001321075.3 (MANE Select); coding-DNA positions 2074 to 2078, GTGGA replaced by T.
Protein change: p.Val692fs; shifts the reading frame from valine 692.
Molecular consequence: frameshift variant. On other transcripts: non-coding transcript variant (1).
Genome position (GRCh38, 1-based): chr17:7,190,805-7,190,809, TCCAC replaced by A on the plus strand (GTGGA replaced by T on the coding strand, the reverse complement: DLG4 is on the minus strand). VCF-style: chr17-7190805-TCCAC-A. GRCh37 (hg19) VCF-style: chr17-7094124-TCCAC-A.
Other names: c.2065_2069delinsT, p.Val689fs (NM_001128827.4); c.2194_2198delinsT, p.Val732fs (NM_001321074.1); c.1894_1898delinsT, p.Val632fs (NM_001321076.3, NM_001321077.3); c.2203_2207delGTGGAinsT, p.Val735Trpfs (NM_001365.5); c.1993_1997delinsT, p.Val665fs (NM_001369566.3); c.2203_2207delGTGGAinsT (NM_001365.3); short protein forms V632fs, V665fs, V689fs, V692fs, V732fs, V735fs.
Identifiers: ClinVar variation 1329907 (VCV001329907.4), dbSNP rs2142803273, ClinGen allele CA1139532606.

ClinVar aggregate classification (germline): Pathogenic. Review status: criteria provided, multiple submitters, no conflicts (2 of 4 stars). 2 submissions from 2 submitters: Pathogenic (2). Last evaluated 2023-02-28.

Conditions:
Intellectual developmental disorder 62. Also called: INTELLECTUAL DEVELOPMENTAL DISORDER, AUTOSOMAL DOMINANT 62; MENTAL RETARDATION, AUTOSOMAL DOMINANT 62. Identifiers: MedGen C5394083, MONDO:0032919, OMIM 618793.

Submissions (2):

Tumer Group, Copenhagen University Hospital, Rigshospitalet
Classification: Pathogenic for Intellectual developmental disorder 62. Last evaluated: 2023-02-28. Review status: criteria provided, single submitter. Criteria: ACMG Guidelines, 2015. Collection method: research. Allele origin: de novo. Affected: yes.

Institute of Human Genetics, University of Leipzig Medical Center
Classification: Pathogenic for Intellectual developmental disorder 62. Last evaluated: 2021-12-21. Review status: criteria provided, single submitter. Criteria: ACMG Guidelines, 2015. Collection method: research. Allele origin: de novo. Affected: yes.

Literature cited by the submitters: PubMed 33597769 (cited by Institute of Human Genetics, University of Leipzig Medical Center).